The following is an entry in ClinVar:

NM_015559.3(SETBP1):c.204T>C (p.Asp68=)

Gene: SETBP1 (SET binding protein 1; plus strand). Cytogenetic location: 18q12.3.
Variant type: single nucleotide variant.
Coding change: c.204T>C on transcript NM_015559.3 (MANE Select); coding-DNA position 204, T replaced by C.
Protein change: p.Asp68=; no amino-acid change (aspartic acid 68 retained).
Molecular consequence: synonymous variant.
Genome position (GRCh38, 1-based): chr18:44,701,550, T>C. VCF-style: chr18-44701550-T-C. GRCh37 (hg19) VCF-style: chr18-42281515-T-C.
Other names: c.204T>C, p.Asp68= (NM_001130110.2, NM_001379141.1, NM_001379142.1).
Identifiers: ClinVar variation 1675703 (VCV001675703.38), dbSNP rs747370385, ClinGen allele CA503995061.

ClinVar aggregate classification (germline): Likely benign. Review status: criteria provided, multiple submitters, no conflicts (2 of 4 stars). 2 submissions from 2 submitters: Likely benign (2). Last evaluated 2025-08-23.

Allele frequency attached by ClinVar (database versions not stated): gnomAD 0.00001; TOPMed 0.00001.
gnomAD v4.1: 1 of 1,613,890 alleles (0.000062%); highest among the groups gnomAD compares: Non-Finnish European, 0.000085%; no homozygotes.

Submissions (2):

Labcorp Genetics (formerly Invitae), Labcorp
Classification: Likely benign. Last evaluated: 2025-08-23. Review status: criteria provided, single submitter. Criteria: Invitae Variant Classification Sherloc (09022015). Collection method: clinical testing. Allele origin: germline.

CeGaT Center for Human Genetics Tuebingen
Classification: Likely benign. Last evaluated: 2022-03-01. Review status: criteria provided, single submitter. Criteria: CeGaT Center For Human Genetics Tuebingen Variant Classification Criteria Version 2. Collection method: clinical testing. Allele origin: germline. Affected: yes. Observed: 1 variant allele.
Comment: SETBP1: BP4, BP7